The following is an entry in ClinVar:

NM_001365536.1(SCN9A):c.1158T>A (p.Ile386=)

Genes: SCN1A-AS1 (SCN1A and SCN9A antisense RNA 1; plus strand), SCN9A (sodium voltage-gated channel alpha subunit 9; minus strand). Cytogenetic location: 2q24.3.
Variant type: single nucleotide variant.
Coding change: c.1158T>A on transcript NM_001365536.1 (MANE Select); coding-DNA position 1158, T replaced by A.
Protein change: p.Ile386=; no amino-acid change (isoleucine 386 retained).
Molecular consequence: synonymous variant.
Genome position (GRCh38, 1-based): chr2:166,288,593, A>T on the plus strand (T>A on the coding strand, the complement: SCN9A is on the minus strand). VCF-style: chr2-166288593-A-T. GRCh37 (hg19) VCF-style: chr2-167145103-A-T.
Other names: c.1158T>A, p.Ile386= (NM_002977.4).
Identifiers: ClinVar variation 699113 (VCV000699113.13), dbSNP rs200963646, ClinGen allele CA1944574.

ClinVar aggregate classification (germline): Likely benign. Review status: criteria provided, single submitter (1 of 4 stars). 2 submissions from 2 submitters: Likely benign (1). 1 of the submissions does not count toward it. Last evaluated 2025-06-09.

Conditions:
Neuropathy, hereditary sensory and autonomic, type 2A (HSAN2A). Also called: MORVAN DISEASE; NEUROPATHY, CONGENITAL SENSORY; NEUROPATHY, HEREDITARY SENSORY RADICULAR, AUTOSOMAL RECESSIVE; NEUROPATHY, HEREDITARY SENSORY, TYPE IIA; NEUROPATHY, PROGRESSIVE SENSORY, OF CHILDREN; ACROOSTEOLYSIS, GIACCAI TYPE. Identifiers: Orphanet 970, MedGen C2752089, MONDO:0024309, OMIM 201300.
Generalized epilepsy with febrile seizures plus, type 7 (GEFSP7). Also called: GEFS+, TYPE 7. Identifiers: Orphanet 36387, MedGen C2751778, MONDO:0013470, OMIM 613863.
SCN9A-related disorder. Also called: SCN9A-related disorders; SCN9A-related condition.

Allele frequency attached by ClinVar (database versions not stated): gnomAD 0.00001; TOPMed 0.00001; ExAC 0.00003; gnomAD exomes 0.00004 and 0.00005.
gnomAD v4.1: 73 of 1,611,998 alleles (0.0045%); highest among the groups gnomAD compares: Admixed American, 0.0067%; no homozygotes.

Submissions (2):

Labcorp Genetics (formerly Invitae), Labcorp
Classification: Likely benign for Neuropathy, hereditary sensory and autonomic, type 2A; Generalized epilepsy with febrile seizures plus, type 7. Last evaluated: 2025-06-09. Review status: criteria provided, single submitter. Criteria: Invitae Variant Classification Sherloc (09022015). Collection method: clinical testing. Allele origin: germline.

PreventionGenetics, part of Exact Sciences
Classification: Likely benign for SCN9A-related condition. Last evaluated: 2020-01-27. Review status: no assertion criteria provided. Collection method: clinical testing. Allele origin: germline. Not counted in ClinVar's aggregate classification.
Comment: This variant is classified as likely benign based on ACMG/AMP sequence variant interpretation guidelines (Richards et al. 2015 PMID: 25741868, with internal and published modifications).